The following is an entry in ClinVar:

NM_000975.5(RPL11):c.508-17A>G

Gene: RPL11 (ribosomal protein L11; plus strand). Cytogenetic location: 1p36.11.
Variant type: single nucleotide variant.
Coding change: c.508-17A>G on transcript NM_000975.5 (MANE Select); 17 bases into the intron before coding-DNA position 508, A replaced by G.
Molecular consequence: intron variant.
Genome position (GRCh38, 1-based): chr1:23,696,327, A>G. VCF-style: chr1-23696327-A-G. GRCh37 (hg19) VCF-style: chr1-24022817-A-G.
Other names: c.505-17A>G (NM_001199802.1).
Identifiers: ClinVar variation 3660082 (VCV003660082.3).

ClinVar aggregate classification (germline): Uncertain significance. Review status: criteria provided, multiple submitters, no conflicts (2 of 4 stars). 2 submissions from 2 submitters: Uncertain significance (2). Last evaluated 2024-07-21.

Conditions:
Diamond-Blackfan anemia. Also called: Blackfan Diamond syndrome; Aregenerative anemia chronic congenital; Red cell aplasia, pure hereditary; Congenital hypoplastic anemia; Aase syndrome. Identifiers: Orphanet 124, MedGen C1260899, MeSH D029503, MONDO:0015253, HP:0004810.

Submissions (2):

Labcorp Genetics (formerly Invitae), Labcorp
Classification: Uncertain significance for Diamond-Blackfan anemia. Last evaluated: 2024-07-21. Review status: criteria provided, single submitter. Criteria: Invitae Variant Classification Sherloc (09022015). Collection method: clinical testing. Allele origin: germline.
Comment: This sequence change falls in intron 5 of the RPL11 gene. It does not directly change the encoded amino acid sequence of the RPL11 protein. This variant is not present in population databases (gnomAD no frequency). This variant has not been reported in the literature in individuals affected with RPL11-related conditions. Algorithms developed to predict the effect of sequence changes on RNA splicing suggest that this variant may disrupt the consensus splice site. In summary, the available evidence is currently insufficient to determine the role of this variant in disease. Therefore, it has been classified as a Variant of Uncertain Significance.

Blueprint Genetics
Classification: Uncertain significance. Last evaluated: 2021-07-12. Review status: criteria provided, single submitter. Criteria: ACMG Guidelines, 2015. Collection method: clinical testing. Allele origin: germline.